The following is an entry in ClinVar:

NM_001136156.2(ZNF507):c.861C>T (p.Pro287=)

Gene: ZNF507 (zinc finger protein 507; plus strand). Cytogenetic location: 19q13.11.
Variant type: single nucleotide variant.
Coding change: c.861C>T on transcript NM_001136156.2 (MANE Select); coding-DNA position 861, C replaced by T.
Protein change: p.Pro287=; no amino-acid change (proline 287 retained).
Molecular consequence: synonymous variant.
Genome position (GRCh38, 1-based): chr19:32,353,691, C>T. VCF-style: chr19-32353691-C-T. GRCh37 (hg19) VCF-style: chr19-32844597-C-T.
Other names: c.861C>T, p.Pro287= (NM_014910.5).
Identifiers: ClinVar variation 2649680 (VCV002649680.24), dbSNP rs148672781, ClinGen allele CA9354752.

ClinVar aggregate classification (germline): Likely benign (1 of 4 stars; one submission).

Allele frequency attached by ClinVar (database versions not stated): 1000 Genomes Project 0.00100; gnomAD exomes 0.00532; ESP Exome Variant Server 0.00354; 1000 Genomes Project 30x 0.00109; gnomAD 0.00304; ExAC 0.00311.
gnomAD v4.1: 8,044 of 1,614,164 alleles (0.5%); highest among the groups gnomAD compares: Non-Finnish European, 0.65%; 29 homozygotes.

Submission:

CeGaT Center for Human Genetics Tuebingen
Classification: Likely benign. Last evaluated: 2022-11-01. Review status: criteria provided, single submitter. Criteria: CeGaT Center For Human Genetics Tuebingen Variant Classification Criteria Version 2. Collection method: clinical testing. Allele origin: germline. Affected: yes. Observed: 1 variant allele.
Comment: ZNF507: BP4, BP7, BS2